The following is an entry in ClinVar:

ClinVar aggregate classification (germline): Uncertain significance (1 of 4 stars; one submission).

Conditions:
X-linked myopathy with postural muscle atrophy. Also called: FHL1-Related Emery-Dreifuss Muscular Dystrophy, X-Linked. Identifiers: Orphanet 178461, MedGen C2678055, MONDO:0010401, OMIM 300696.

Submission:

Labcorp Genetics (formerly Invitae), Labcorp
Classification: Uncertain significance for Myopathy with postural muscle atrophy, X-linked. Last evaluated: 2019-10-08. Review status: criteria provided, single submitter. Criteria: Invitae Variant Classification Sherloc (09022015). Collection method: clinical testing. Allele origin: germline.
Comment: This variant is a gross deletion of the genomic region encompassing exon 7 of the FHL1 gene. The 5' boundary is likely confined to intron 6. The 3' end of this event is unknown as it extends through the termination codon beyond the assayed region for this gene and may encompass additional genes. While this deletion is not anticipated to result in nonsense mediated decay, it is expected to create a truncated protein product or disrupt mRNA translation. This variant has not been reported in the literature in individuals with FHL1-related conditions. Experimental studies and prediction algorithms are not available for this variant, and the functional significance of the affected amino acid(s) is currently unknown. In summary, the available evidence is currently insufficient to determine the role of this variant in disease. Therefore, it has been classified as a Variant of Uncertain Significance.

NC_000023.11:g.(?_136209233)_(136211369_?)del

Gene: FHL1 (four and a half LIM domains 1; plus strand). Cytogenetic location: Xq26.3.
Variant type: Deletion.
Identifiers: ClinVar variation 833341 (VCV000833341.1).